The following is an entry in ClinVar:

NM_000303.3(PMM2):c.*1224C>A

Gene: PMM2 (phosphomannomutase 2; plus strand). Cytogenetic location: 16p13.2.
Variant type: single nucleotide variant.
Coding change: c.*1224C>A on transcript NM_000303.3 (MANE Select); 1224 bases downstream of the stop codon, C replaced by A.
Molecular consequence: 3 prime UTR variant.
Genome position (GRCh38, 1-based): chr16:8,849,049, C>A. VCF-style: chr16-8849049-C-A. GRCh37 (hg19) VCF-style: chr16-8942906-C-A.
Identifiers: ClinVar variation 321265 (VCV000321265.5), dbSNP rs74008087, ClinGen allele CA10648336.

ClinVar aggregate classification (germline): Likely benign (1 of 4 stars; one submission).

Conditions:
PMM2-congenital disorder of glycosylation. Also called: CDG Ia; JAEKEN SYNDROME; PHOSPHOMANNOMUTASE 2 DEFICIENCY; Congenital disorder of glycosylation, type Ia; CARBOHYDRATE-DEFICIENT GLYCOPROTEIN SYNDROME, TYPE Ia; PMM2-CDG. Identifiers: Orphanet 79318, MedGen C0349653, MONDO:0008907, OMIM 212065.

Allele frequency attached by ClinVar (database versions not stated): TOPMed 0.00831; 1000 Genomes Project 0.00879; 1000 Genomes Project 30x 0.00921.

Submission:

Illumina Laboratory Services, Illumina
Classification: Likely benign for PMM2-congenital disorder of glycosylation. Last evaluated: 2018-01-12. Review status: criteria provided, single submitter. Criteria: ICSL Variant Classification Criteria 13 December 2019. Collection method: clinical testing. Allele origin: germline.
Comment: This variant was observed in the ICSL laboratory as part of a predisposition screen in an ostensibly healthy population. It had not been previously curated by ICSL or reported in the Human Gene Mutation Database (HGMD: prior to June 1st, 2018), and was therefore a candidate for classification through an automated scoring system. Utilizing variant allele frequency, disease prevalence and penetrance estimates, and inheritance mode, an automated score was calculated to assess if this variant is too frequent to cause the disease. Based on the score and internal cut-off values, a variant classified as likely benign is not then subjected to further curation. The score for this variant resulted in a classification of likely benign for this disease.